The following is an entry in ClinVar:

NM_014974.3(DIP2C):c.1385-10T>G

Gene: DIP2C (DIP2 acetate--CoA ligase C (putative); minus strand). Cytogenetic location: 10p15.3.
Variant type: single nucleotide variant.
Coding change: c.1385-10T>G on transcript NM_014974.3 (MANE Select); 10 bases into the intron before coding-DNA position 1385, T replaced by G.
Molecular consequence: intron variant.
Genome position (GRCh38, 1-based): chr10:390,383, A>C on the plus strand (T>G on the coding strand, the complement: DIP2C is on the minus strand). VCF-style: chr10-390383-A-C. GRCh37 (hg19) VCF-style: chr10-436323-A-C.
Identifiers: ClinVar variation 2913725 (VCV002913725.3), dbSNP rs750170195, ClinGen allele CA5380933.
Genomic context (GRCh38, chr10:390,383, plus strand): 5'-GTTTGGAGAGATGTTTAGACTCTGTGACAAACCACAGCAGCTTTGGCCAACCTTGGAAAT[A>C]AACAACAAGTTCCTTTTAAATGTTACTCTGAAAGTCGGTCTGTAGAATTTCTCCCCATTT-3'

ClinVar aggregate classification (germline): Uncertain significance (1 of 4 stars; one submission).

Allele frequency attached by ClinVar (database versions not stated): ExAC 0.00003; gnomAD 0.00004; TOPMed 0.00004.
gnomAD v4.1: 188 of 1,612,054 alleles (0.012%); highest among the groups gnomAD compares: Non-Finnish European, 0.015%; no homozygotes.

Submission:

Labcorp Genetics (formerly Invitae), Labcorp
Classification: Uncertain significance. Last evaluated: 2023-05-16. Review status: criteria provided, single submitter. Criteria: Invitae Variant Classification Sherloc (09022015). Collection method: clinical testing. Allele origin: germline.
Comment: In summary, the available evidence is currently insufficient to determine the role of this variant in disease. Therefore, it has been classified as a Variant of Uncertain Significance. Algorithms developed to predict the effect of sequence changes on RNA splicing suggest that this variant may disrupt the consensus splice site. This variant has not been reported in the literature in individuals affected with DIP2C-related conditions. This variant is present in population databases (rs750170195, gnomAD 0.01%). This sequence change falls in intron 11 of the DIP2C gene. It does not directly change the encoded amino acid sequence of the DIP2C protein.